The following is an entry in ClinVar:

ClinVar aggregate classification (germline): Pathogenic (1 of 4 stars; one submission).

Conditions:
Hereditary hemorrhagic telangiectasia (HHT). Also called: ORW DISEASE; Osler Weber Rendu syndrome; OSLER-RENDU-WEBER DISEASE; Osler hemorrhagic telangiectasia syndrome. Identifiers: Orphanet 774, MedGen C0039445, MONDO:0019180. Disease mechanism: loss of function.

Submission:

Labcorp Genetics (formerly Invitae), Labcorp
Classification: Pathogenic for Hereditary hemorrhagic telangiectasia. Last evaluated: 2025-11-10. Review status: criteria provided, single submitter. Criteria: Invitae Variant Classification Sherloc (09022015). Collection method: clinical testing. Allele origin: germline.
Comment: This sequence change replaces valine, which is neutral and non-polar, with glycine, which is neutral and non-polar, at codon 311 of the ENG protein (p.Val311Gly). This variant is not present in population databases (gnomAD no frequency). This missense change has been observed in individual(s) with hereditary hemorrhagic telangiectasia (PMID: 15520401). It has also been observed to segregate with disease in related individuals. ClinVar contains an entry for this variant (Variation ID: 2136818). Invitae Evidence Modeling of protein sequence and biophysical properties (such as structural, functional, and spatial information, amino acid conservation, physicochemical variation, residue mobility, and thermodynamic stability) has been performed for this missense variant. However, the output from this modeling did not meet the statistical confidence thresholds required to predict the impact of this variant on ENG protein function. Experimental studies have shown that this missense change does not substantially affect ENG function (PMID: 22022569). For these reasons, this variant has been classified as Pathogenic.

Literature cited by the submitters: PubMed 15520401; PubMed 22022569.

NM_001114753.3(ENG):c.932T>G (p.Val311Gly)

Gene: ENG (endoglin; minus strand). Cytogenetic location: 9q34.11.
Variant type: single nucleotide variant.
Coding change: c.932T>G on transcript NM_001114753.3 (MANE Select); coding-DNA position 932, T replaced by G.
Protein change: p.Val311Gly; replaces valine 311 with glycine.
Molecular consequence: missense variant.
Genome position (GRCh38, 1-based): chr9:127,824,859, A>C on the plus strand (T>G on the coding strand, the complement: ENG is on the minus strand). VCF-style: chr9-127824859-A-C. GRCh37 (hg19) VCF-style: chr9-130587138-A-C.
Other names: c.932T>G, p.Val311Gly (NM_000118.4, NM_001406715.1); c.386T>G, p.Val129Gly (NM_001278138.2); short protein forms V129G, V311G.
Identifiers: ClinVar variation 2136818 (VCV002136818.4), dbSNP rs2539072864, ClinGen allele CA374982196.